The following is an entry in ClinVar:

ClinVar aggregate classification (germline): Uncertain significance (1 of 4 stars; one submission).

Conditions:
Cardiovascular phenotype. Identifiers: MedGen CN230736.

Submission:

Ambry Genetics
Classification: Uncertain significance for Cardiovascular phenotype. Last evaluated: 2018-01-15. Review status: criteria provided, single submitter. Criteria: Ambry Variant Classification Scheme 2023. Collection method: clinical testing. Allele origin: germline.
Comment: The p.T515I variant (also known as c.1544C>T), located in coding exon 11 of the DSC2 gene, results from a C to T substitution at nucleotide position 1544. The threonine at codon 515 is replaced by isoleucine, an amino acid with similar properties. This amino acid position is poorly conserved in available vertebrate species. In addition, this alteration is predicted to be tolerated by in silico analysis. Since supporting evidence is limited at this time, the clinical significance of this alteration remains unclear.

NM_024422.6(DSC2):c.1544C>T (p.Thr515Ile)

Gene: DSC2 (desmocollin 2; minus strand). Cytogenetic location: 18q12.1.
Variant type: single nucleotide variant.
Coding change: c.1544C>T on transcript NM_024422.6 (MANE Select); coding-DNA position 1544, C replaced by T.
Protein change: p.Thr515Ile; replaces threonine 515 with isoleucine.
Molecular consequence: missense variant.
Genome position (GRCh38, 1-based): chr18:31,079,966, G>A on the plus strand (C>T on the coding strand, the complement: DSC2 is on the minus strand). VCF-style: chr18-31079966-G-A. GRCh37 (hg19) VCF-style: chr18-28659932-G-A.
Other names: c.1115C>T, p.Thr372Ile (NM_001406506.1, NM_001406507.1); c.1544C>T, p.Thr515Ile (NM_004949.5); short protein forms T515I, T372I.
Identifiers: ClinVar variation 1774902 (VCV001774902.2), dbSNP rs2510946689, ClinGen allele CA402108222.